The following is an entry in ClinVar:

NM_004006.3(DMD):c.2768del (p.Ser923fs)

Gene: DMD (dystrophin; minus strand). Cytogenetic location: Xp21.1.
Variant type: Deletion.
Coding change: c.2768del on transcript NM_004006.3 (MANE Select); coding-DNA position 2768, one base deleted (C; older notation c.2768delC).
Protein change: p.Ser923fs; shifts the reading frame from serine 923.
Molecular consequence: frameshift variant.
Genome position (GRCh38, 1-based): chrX:32,484,954, G deleted on the plus strand (C on the coding strand, the reverse complement: DMD is on the minus strand). VCF-style (leftmost placement, unchanged base first): chrX-32484953-AG-A. GRCh37 (hg19) VCF-style: chrX-32503070-AG-A.
Other names: c.2744del, p.Ser915fs (NM_000109.4); c.2756del, p.Ser919fs (NM_004009.3); c.2399del, p.Ser800fs (NM_004010.3); short protein forms S800fs, S923fs, S915fs, S919fs.
Identifiers: ClinVar variation 2110244 (VCV002110244.4), dbSNP rs2524912315, ClinGen allele CA2580100678.

ClinVar aggregate classification (germline): Pathogenic (1 of 4 stars; one submission).

Conditions:
Duchenne muscular dystrophy (DMD). Also called: MUSCULAR DYSTROPHY, PSEUDOHYPERTROPHIC PROGRESSIVE, DUCHENNE TYPE; Duchenne Muscular Dystrophy (DMD). Identifiers: Orphanet 98896, MedGen C0013264, MONDO:0010679, OMIM 310200.

Submission:

Labcorp Genetics (formerly Invitae), Labcorp
Classification: Pathogenic for Duchenne muscular dystrophy. Last evaluated: 2022-05-16. Review status: criteria provided, single submitter. Criteria: Invitae Variant Classification Sherloc (09022015). Collection method: clinical testing. Allele origin: germline.
Comment: This sequence change creates a premature translational stop signal (p.Ser923Leufs*26) in the DMD gene. It is expected to result in an absent or disrupted protein product. Loss-of-function variants in DMD are known to be pathogenic (PMID: 16770791, 25007885). This variant is not present in population databases (gnomAD no frequency). This premature translational stop signal has been observed in individual(s) with Duchenne muscular dystrophy (PMID: 29390271). For these reasons, this variant has been classified as Pathogenic.

Literature cited by the submitters: PubMed 16770791; PubMed 25007885; PubMed 29390271.